The following is an entry in ClinVar:

NM_001099857.5(IKBKG):c.936C>G (p.Phe312Leu)

Gene: IKBKG (inhibitor of nuclear factor kappa B kinase regulatory subunit gamma; plus strand). Cytogenetic location: Xq28.
Variant type: single nucleotide variant.
Coding change: c.936C>G on transcript NM_001099857.5 (MANE Select); coding-DNA position 936, C replaced by G.
Protein change: p.Phe312Leu; replaces phenylalanine 312 with leucine.
Molecular consequence: missense variant. On other transcripts: non-coding transcript variant (1).
Genome position (GRCh38, 1-based): chrX:154,563,582, C>G. VCF-style: chrX-154563582-C-G. GRCh37 (hg19) VCF-style: chrX-153791797-C-G.
Other names: c.1140C>G, p.Phe380Leu (NM_001099856.6); c.639C>G, p.Phe213Leu (NM_001145255.4); c.936C>G, p.Phe312Leu (NM_001321396.3, NM_001377312.1, NM_003639.4); c.933C>G, p.Phe311Leu (NM_001321397.3, NM_001377313.1); c.780C>G, p.Phe260Leu (NM_001377314.1); c.567C>G, p.Phe189Leu (NM_001377315.1); short protein forms F189L, F213L, F260L, F311L, F312L, F380L.
Identifiers: ClinVar variation 1678716 (VCV001678716.2), dbSNP rs2148385082, ClinGen allele CA415217486.
Genomic context (GRCh38, chrX:154,563,582, plus strand): 5'-TTGTGGCGGGCACATCCCTTTCTGTTGGATTTGCCAGGCGGATATCTACAAGGCGGACTT[C>G]CAGGCTGAGAGGCAGGCCCGGGAGAAGCTGGCCGAGAAGAAGGAGCTCCTGCAGGAGCAG-3'
Protein context (NP_001093327.1, residues 302-322): KAQADIYKAD[Phe312Leu]QAERQAREKL

ClinVar aggregate classification (germline): Likely pathogenic (1 of 4 stars; one submission).

Submission:

GeneDx
Classification: Likely pathogenic. Last evaluated: 2021-08-10. Review status: criteria provided, single submitter. Criteria: GeneDx Variant Classification Process June 2021. Collection method: clinical testing. Allele origin: germline. Affected: yes.
Comment: In silico analysis supports that this missense variant has a deleterious effect on protein structure/function; This variant is associated with the following publications: (PMID: 26802121, 28679735, 26230867, 26467245)